The following is an entry in ClinVar:

NM_052844.4(DYNC2I2):c.721G>A (p.Glu241Lys)

Genes: DYNC2I2 (dynein 2 intermediate chain 2; minus strand), LOC126860772 (CDK7 strongly-dependent group 2 enhancer GRCh37_chr9:131396972-131398171; plus strand). Cytogenetic location: 9q34.11.
Variant type: single nucleotide variant.
Coding change: c.721G>A on transcript NM_052844.4 (MANE Select); coding-DNA position 721, G replaced by A.
Protein change: p.Glu241Lys; replaces glutamic acid 241 with lysine.
Molecular consequence: missense variant.
Genome position (GRCh38, 1-based): chr9:128,635,750, C>T on the plus strand (G>A on the coding strand, the complement: DYNC2I2 is on the minus strand). VCF-style: chr9-128635750-C-T. GRCh37 (hg19) VCF-style: chr9-131398029-C-T.
Other names: short protein forms E241K.
Identifiers: ClinVar variation 2553738 (VCV002553738.3), dbSNP rs2542436705, ClinGen allele CA375119102.
Genomic context (GRCh38, chr9:128,635,750, plus strand): 5'-TCAGGCCTGTGCGCCACAGCAGCGGGTCCTCAAGACGGCTCAGGTCCCACACCAACACCT[C>T]ACCACTGTACAGCCCTCCTGCAGGGACAGTGGACCTGGGCAGAGGCTCAGCCCCACCCCC-3'
Protein context (NP_443076.2, residues 231-251): SHVAGGLYSG[Glu241Lys]VLVWDLSRLE

ClinVar aggregate classification (germline): Uncertain significance. Review status: criteria provided, multiple submitters, no conflicts (2 of 4 stars). 2 submissions from 2 submitters: Uncertain significance (2). Last evaluated 2025-10-01.

Conditions:
Short-rib thoracic dysplasia 11 with or without polydactyly (SRTD11). Also called: SHORT-RIB THORACIC DYSPLASIA 11 WITHOUT POLYDACTYLY. Identifiers: Orphanet 474, Orphanet 93271, MedGen C3810200, MONDO:0014287, OMIM 615633.
Inborn genetic diseases. Identifiers: MedGen C0950123, MeSH D030342.

Submissions (2):

3billion
Classification: Uncertain significance for Short-rib thoracic dysplasia 11 with or without polydactyly. Last evaluated: 2025-10-01. Review status: criteria provided, single submitter. Criteria: ACMG Guidelines, 2015. Collection method: clinical testing. Allele origin: germline. Affected: yes.
Comment: The variant is not observed in the gnomAD v4.1.0 dataset. Predicted Consequence/Location: Missense variant Damaging effect on gene or gene product predicted by in silico programs is uncertain [REVEL: 0.12 (damaging >=0.6, benign <0.4), 3Cnet: 0.13 (damaging >0.75, benign <0.1)]. The variant has been reported as of uncertain significance (ClinVar ID: VCV002553738). Therefore, this variant is classified as VUS according to the recommendation of ACMG/AMP guideline.

Ambry Genetics
Classification: Uncertain significance for Inborn genetic diseases. Last evaluated: 2023-05-31. Review status: criteria provided, single submitter. Criteria: Ambry Variant Classification Scheme 2023. Collection method: clinical testing. Allele origin: germline.